The following is an entry in ClinVar:

NM_152564.5(VPS13B):c.9377G>A (p.Gly3126Glu)

Gene: VPS13B (vacuolar protein sorting 13 homolog B; plus strand). Cytogenetic location: 8q22.2.
Variant type: single nucleotide variant.
Coding change: c.9377G>A on transcript NM_152564.5 (MANE Select); coding-DNA position 9377, G replaced by A.
Protein change: p.Gly3126Glu; replaces glycine 3126 with glutamic acid.
Molecular consequence: missense variant.
Genome position (GRCh38, 1-based): chr8:99,832,415, G>A. VCF-style: chr8-99832415-G-A. GRCh37 (hg19) VCF-style: chr8-100844643-G-A.
Other names: c.9452G>A, p.Gly3151Glu (NM_017890.5); short protein forms G3126E, G3151E.
Identifiers: ClinVar variation 1360358 (VCV001360358.8), dbSNP rs2130857969, ClinGen allele CA371781214.
Genomic context (GRCh38, chr8:99,832,415, plus strand): 5'-TTTTTTTTTTTTAGTATTTTCGTGTTCCAGACAGTGCTACTTTTAGCATTTGCCCAGGTG[G>A]AGAGCAGCCTGCTATGAAATCCAGCTCCCTTCCTTGCTGGGACTTGATGCCTGACATCAG-3'
Protein context (NP_689777.3, residues 3116-3136): DSATFSICPG[Gly3126Glu]EQPAMKSSSL

ClinVar aggregate classification (germline): Uncertain significance (1 of 4 stars; one submission).

Conditions:
Cohen syndrome (COH1). Also called: PEPPER SYNDROME; Cutis verticis gyrata, retinitis pigmentosa, and sensorineural deafness. Identifiers: Orphanet 193, MedGen C0265223, MONDO:0008999, OMIM 216550.

Submission:

Labcorp Genetics (formerly Invitae), Labcorp
Classification: Uncertain significance for Cohen syndrome. Last evaluated: 2021-06-12. Review status: criteria provided, single submitter. Criteria: Invitae Variant Classification Sherloc (09022015). Collection method: clinical testing. Allele origin: germline.
Comment: This sequence change replaces glycine with glutamic acid at codon 3151 of the VPS13B protein (p.Gly3151Glu). The glycine residue is weakly conserved and there is a moderate physicochemical difference between glycine and glutamic acid. This variant is not present in population databases (ExAC no frequency). This variant has not been reported in the literature in individuals with VPS13B-related conditions. Algorithms developed to predict the effect of missense changes on protein structure and function are either unavailable or do not agree on the potential impact of this missense change (SIFT: "Not Available"; PolyPhen-2: "Benign"; Align-GVGD: "Not Available"). Algorithms developed to predict the effect of sequence changes on RNA splicing suggest that this variant may create or strengthen a splice site, but this prediction has not been confirmed by published transcriptional studies. In summary, the available evidence is currently insufficient to determine the role of this variant in disease. Therefore, it has been classified as a Variant of Uncertain Significance.